The following is an entry in ClinVar:

ClinVar aggregate classification (germline): Uncertain significance (1 of 4 stars; one submission).

Conditions:
Primary ciliary dyskinesia. Also called: Ciliary dyskinesia. Identifiers: Orphanet 244, MedGen C0008780, MONDO:0016575, HP:0012265.

Allele frequency attached by ClinVar (database versions not stated): gnomAD exomes below 0.00001.
gnomAD v4.1: 1 of 1,614,288 alleles (0.000062%); highest among the groups gnomAD compares: Non-Finnish European, 0.000085%; no homozygotes.

Submission:

Labcorp Genetics (formerly Invitae), Labcorp
Classification: Uncertain significance for Primary ciliary dyskinesia. Last evaluated: 2022-05-08. Review status: criteria provided, single submitter. Criteria: Invitae Variant Classification Sherloc (09022015). Collection method: clinical testing. Allele origin: germline.
Comment: This sequence change replaces alanine, which is neutral and non-polar, with threonine, which is neutral and polar, at codon 935 of the CCDC40 protein (p.Ala935Thr). This variant is not present in population databases (gnomAD no frequency). This variant has not been reported in the literature in individuals affected with CCDC40-related conditions. Algorithms developed to predict the effect of missense changes on protein structure and function output the following: SIFT: "Tolerated"; PolyPhen-2: "Benign"; Align-GVGD: "Class C0". The threonine amino acid residue is found in multiple mammalian species, which suggests that this missense change does not adversely affect protein function. In summary, the available evidence is currently insufficient to determine the role of this variant in disease. Therefore, it has been classified as a Variant of Uncertain Significance.

NM_017950.4(CCDC40):c.2803G>A (p.Ala935Thr)

Gene: CCDC40 (coiled-coil domain 40 molecular ruler complex subunit; plus strand). Cytogenetic location: 17q25.3.
Variant type: single nucleotide variant.
Coding change: c.2803G>A on transcript NM_017950.4 (MANE Select); coding-DNA position 2803, G replaced by A.
Protein change: p.Ala935Thr; replaces alanine 935 with threonine.
Molecular consequence: missense variant.
Genome position (GRCh38, 1-based): chr17:80,089,855, G>A. VCF-style: chr17-80089855-G-A. GRCh37 (hg19) VCF-style: chr17-78063654-G-A.
Other names: c.2803G>A, p.Ala935Thr (NM_001243342.2); short protein forms A935T.
Identifiers: ClinVar variation 2126844 (VCV002126844.1), dbSNP rs2510320220, ClinGen allele CA401351189.